The following is an entry in ClinVar:

NM_001267550.2(TTN):c.82070C>G (p.Thr27357Arg)

Genes: TTN (titin; minus strand), TTN-AS1 (TTN antisense RNA 1; plus strand). Cytogenetic location: 2q31.2.
Variant type: single nucleotide variant.
Coding change: c.82070C>G on transcript NM_001267550.2 (MANE Select); coding-DNA position 82070, C replaced by G.
Protein change: p.Thr27357Arg; replaces threonine 27357 with arginine.
Molecular consequence: missense variant.
Genome position (GRCh38, 1-based): chr2:178,564,062, G>C on the plus strand (C>G on the coding strand, the complement: TTN is on the minus strand). VCF-style: chr2-178564062-G-C. GRCh37 (hg19) VCF-style: chr2-179428789-G-C.
Other names: c.77147C>G, p.Thr25716Arg (NM_001256850.1); c.54875C>G, p.Thr18292Arg (NM_003319.4); c.74366C>G, p.Thr24789Arg (NM_133378.4); c.55250C>G, p.Thr18417Arg (NM_133432.3); c.55451C>G, p.Thr18484Arg (NM_133437.4); short protein forms T27357R, T18484R, T18292R, T18417R, T24789R, T25716R.
Identifiers: ClinVar variation 567587 (VCV000567587.7), dbSNP rs754175266, ClinGen allele CA1989121.

ClinVar aggregate classification (germline): Conflicting classifications of pathogenicity. Review status: criteria provided, conflicting classifications (1 of 4 stars). 7 submissions from 3 submitters: Uncertain significance (5); Benign (1); Likely benign (1). Last evaluated 2023-08-30.

Conditions:
Autosomal recessive limb-girdle muscular dystrophy type 2J (LGMDR10). Also called: MUSCULAR DYSTROPHY, LIMB-GIRDLE, AUTOSOMAL RECESSIVE 10; Limb-girdle muscular dystrophy, type 2J. Identifiers: Orphanet 140922, MedGen C1837342, MONDO:0012127, OMIM 608807.
Dilated cardiomyopathy 1G (CMD1G). Identifiers: Orphanet 154, MedGen C1858763, MONDO:0011400, OMIM 604145.
Early-onset myopathy with fatal cardiomyopathy (CMYO5). Also called: CONGENITAL MYOPATHY 5 WITH CARDIOMYOPATHY; Salih Myopathy. Identifiers: Orphanet 289377, MedGen C2673677, MONDO:0012714, OMIM 611705. Disease mechanism: loss of function.
Myopathy, myofibrillar, 9, with early respiratory failure (MFM9). Also called: Myopathy, distal, with early respiratory failure, autosomal dominant; Hereditary myopathy with early respiratory failure; EDSTROM MYOPATHY; MYOPATHY, PROXIMAL, WITH EARLY RESPIRATORY MUSCLE INVOLVEMENT. Identifiers: Orphanet 178464, Orphanet 34521, MedGen C1863599, MONDO:0011362, OMIM 603689.
Tibial muscular dystrophy (TMD). Also called: Tibial muscular dystrophy, tardive; Udd Distal Myopathy – Tibial Muscular Dystrophy; UDD MYOPATHY. Identifiers: Orphanet 609, MedGen C1838244, MONDO:0010870, OMIM 600334.

Allele frequency attached by ClinVar (database versions not stated): gnomAD 0.00001; TOPMed 0.00001; ExAC 0.00002; gnomAD exomes 0.00002.
gnomAD v4.1: 25 of 1,613,592 alleles (0.0015%); highest among the groups gnomAD compares: Middle Eastern, 0.016%; no homozygotes.

Submissions (7):

Athena Diagnostics
Classification: Uncertain significance. Last evaluated: 2023-08-30. Review status: criteria provided, single submitter. Criteria: Athena Diagnostics Criteria. Collection method: clinical testing. Allele origin: unknown.
Comment: Available data are insufficient to determine the clinical significance of the variant at this time. The frequency of this variant in the general population is uninformative in assessment of its pathogenicity. This variant is also referred to as c.74366C>G, p.T24789R in published literature. Computational tools disagree on the variant's effect on normal protein function.

Labcorp Genetics (formerly Invitae), Labcorp
Classification: Uncertain significance for Dilated cardiomyopathy 1G; Limb-girdle muscular dystrophy, type 2J. Last evaluated: 2018-04-16. Review status: criteria provided, single submitter. Criteria: Invitae Variant Classification Sherloc (09022015). Collection method: clinical testing. Allele origin: germline.
Comment: This sequence change replaces threonine with arginine at codon 27357 of the TTN protein (p.Thr27357Arg). There is a moderate physicochemical difference between threonine and arginine. This variant is present in population databases (rs754175266, ExAC 0.004%). This variant has not been reported in the literature in individuals with TTN-related disease. This variant identified in the TTN gene is located in the A band of the resulting protein (PMID: 25589632). Algorithms developed to predict the effect of missense changes on protein structure and function are unavailable for the TTN gene. Algorithms developed to predict the effect of sequence changes on RNA splicing suggest that this variant may create or strengthen a splice site, but this prediction has not been confirmed by published transcriptional studies. In summary, the available evidence is currently insufficient to determine the role of this variant in disease. Therefore, it has been classified as a Variant of Uncertain Significance.

Illumina Laboratory Services, Illumina
Classification: Uncertain significance for Autosomal recessive limb-girdle muscular dystrophy type 2J. Last evaluated: 2018-01-13. Review status: criteria provided, single submitter. Criteria: ICSL Variant Classification Criteria 13 December 2019. Collection method: clinical testing. Allele origin: germline.

Illumina Laboratory Services, Illumina
Classification: Uncertain significance for Early-onset myopathy with fatal cardiomyopathy. Last evaluated: 2018-01-13. Review status: criteria provided, single submitter. Criteria: ICSL Variant Classification Criteria 13 December 2019. Collection method: clinical testing. Allele origin: germline.

Illumina Laboratory Services, Illumina
Classification: Uncertain significance for Dilated cardiomyopathy 1G. Last evaluated: 2018-01-13. Review status: criteria provided, single submitter. Criteria: ICSL Variant Classification Criteria 13 December 2019. Collection method: clinical testing. Allele origin: germline.

Illumina Laboratory Services, Illumina
Classification: Benign for Tibial muscular dystrophy. Last evaluated: 2018-01-13. Review status: criteria provided, single submitter. Criteria: ICSL Variant Classification Criteria 13 December 2019. Collection method: clinical testing. Allele origin: germline.
Comment: This variant was observed in the ICSL laboratory as part of a predisposition screen in an ostensibly healthy population. It had not been previously curated by ICSL or reported in the Human Gene Mutation Database (HGMD: prior to June 1st, 2018), and was therefore a candidate for classification through an automated scoring system. Utilizing variant allele frequency, disease prevalence and penetrance estimates, and inheritance mode, an automated score was calculated to assess if this variant is too frequent to cause the disease. Based on the score and internal cut-off values, a variant classified as benign is not then subjected to further curation. The score for this variant resulted in a classification of benign for this disease.

Illumina Laboratory Services, Illumina
Classification: Likely benign for Myopathy, myofibrillar, 9, with early respiratory failure. Last evaluated: 2018-01-13. Review status: criteria provided, single submitter. Criteria: ICSL Variant Classification Criteria 13 December 2019. Collection method: clinical testing. Allele origin: germline.
Comment: This variant was observed in the ICSL laboratory as part of a predisposition screen in an ostensibly healthy population. It had not been previously curated by ICSL or reported in the Human Gene Mutation Database (HGMD: prior to June 1st, 2018), and was therefore a candidate for classification through an automated scoring system. Utilizing variant allele frequency, disease prevalence and penetrance estimates, and inheritance mode, an automated score was calculated to assess if this variant is too frequent to cause the disease. Based on the score and internal cut-off values, a variant classified as likely benign is not then subjected to further curation. The score for this variant resulted in a classification of likely benign for this disease.

Literature cited by the submitters: PubMed 27930701 (cited by Athena Diagnostics); PubMed 26516846 (cited by Athena Diagnostics); PubMed 25589632 (cited by Labcorp Genetics (formerly Invitae), Labcorp).